The following is an entry in ClinVar:

NM_000051.4(ATM):c.3512_3513del (p.Gln1171fs)

Gene: ATM (ATM serine/threonine kinase; plus strand). Cytogenetic location: 11q22.3.
Variant type: Deletion.
Coding change: c.3512_3513del on transcript NM_000051.4 (MANE Select); coding-DNA positions 3512 to 3513, 2 bases deleted (AG; older notation c.3512_3513delAG).
Protein change: p.Gln1171fs; shifts the reading frame from glutamine 1171.
Molecular consequence: frameshift variant.
Genome position (GRCh38, 1-based): chr11:108,281,104-108,281,105, AG deleted. VCF-style (leftmost placement, unchanged base first): chr11-108281103-CAG-C. GRCh37 (hg19) VCF-style: chr11-108151830-CAG-C.
Other names: c.3512_3513del, p.Gln1171fs (NM_001351834.2); short protein forms Q1171fs.
Identifiers: ClinVar variation 2774573 (VCV002774573.2), dbSNP rs2546870858, ClinGen allele CA2697558843.

ClinVar aggregate classification (germline): Pathogenic (1 of 4 stars; one submission).

Conditions:
Hereditary cancer-predisposing syndrome. Also called: Neoplastic Syndromes, Hereditary; Tumor predisposition; Hereditary Cancer Syndrome; Hereditary neoplastic syndrome. Identifiers: Orphanet 140162, MedGen C0027672, MeSH D009386, MONDO:0015356.

Submission:

Color Diagnostics, LLC DBA Color Health
Classification: Pathogenic for Hereditary cancer-predisposing syndrome. Last evaluated: 2023-10-02. Review status: criteria provided, single submitter. Criteria: ACMG Guidelines, 2015. Collection method: clinical testing. Allele origin: germline.
Comment: This variant deletes 2 nucleotides in exon 24 of the ATM gene, creating a frameshift and premature translation stop signal. This variant is expected to result in an absent or non-functional protein product. To our knowledge, this variant has not been reported in individuals affected with ATM-related disorders in the literature. This variant has not been identified in the general population by the Genome Aggregation Database (gnomAD). Loss of ATM function is a known mechanism of disease. Based on the available evidence, this variant is classified as Pathogenic.